The following is an entry in ClinVar:

ClinVar aggregate classification (germline): Uncertain significance (1 of 4 stars; one submission).

Conditions:
PCSK1-related disorder. Also called: PCSK1-related condition.

gnomAD v4.1: 3 of 1,614,030 alleles (0.00019%); highest among the groups gnomAD compares: African/African-American, 0.0013%; no homozygotes.

Submission:

PreventionGenetics, part of Exact Sciences
Classification: Uncertain significance for PCSK1-related condition. Last evaluated: 2026-06-30. Review status: criteria provided, single submitter. Criteria: ACMG Guidelines, 2015. Collection method: clinical testing. Allele origin: germline.
Comment: The PCSK1 c.2158C>G variant is predicted to result in the amino acid substitution p.Leu720Val. To our knowledge, this variant has not been reported in the literature. This variant is reported in 0.012% of alleles in individuals of African descent in gnomAD. At this time, the clinical significance of this variant is uncertain due to the absence of conclusive functional and genetic evidence.

NM_000439.5(PCSK1):c.2158C>G (p.Leu720Val)

Genes: CAST (calpastatin; plus strand), PCSK1 (proprotein convertase subtilisin/kexin type 1; minus strand), LOC101929710 (uncharacterized LOC101929710; plus strand). Cytogenetic location: 5q15.
Variant type: single nucleotide variant.
Coding change: c.2158C>G on transcript NM_000439.5 (MANE Select); coding-DNA position 2158, C replaced by G.
Protein change: p.Leu720Val; replaces leucine 720 with valine.
Molecular consequence: missense variant. On other transcripts: intron variant (11).
Genome position (GRCh38, 1-based): chr5:96,393,105, G>C on the plus strand (C>G on the coding strand, the complement: PCSK1 is on the minus strand). VCF-style: chr5-96393105-G-C. GRCh37 (hg19) VCF-style: chr5-95728809-G-C.
Other names: c.2017C>G, p.Leu673Val (NM_001177875.2); c.-175+13453G>C (NM_001423254.1, NM_001423259.1, NM_001423255.1 and 6 more transcripts); c.-103+13453G>C (NM_001423253.1); c.-40+13453G>C (NM_001423258.1); short protein forms L673V, L720V.
Identifiers: ClinVar variation 4978788 (VCV004978788.1).